The following is an entry in ClinVar:

NM_002890.3(RASA1):c.2739G>T (p.Arg913=)

Genes: CCNH (cyclin H; minus strand), RASA1 (RAS p21 protein activator 1; plus strand). Cytogenetic location: 5q14.3.
Variant type: single nucleotide variant.
Coding change: c.2739G>T on transcript NM_002890.3 (MANE Select); coding-DNA position 2739, G replaced by T.
Protein change: p.Arg913=; no amino-acid change (arginine 913 retained).
Molecular consequence: synonymous variant. On other transcripts: intron variant (1).
Genome position (GRCh38, 1-based): chr5:87,383,761, G>T. VCF-style: chr5-87383761-G-T. GRCh37 (hg19) VCF-style: chr5-86679578-G-T.
Other names: p.Arg913=; c.2208G>T, p.Arg736= (NM_022650.3); c.933+11283C>A (NM_001364075.2).
Identifiers: ClinVar variation 655545 (VCV000655545.9), dbSNP rs375135791, ClinGen allele CA3336086.

ClinVar aggregate classification (germline): Uncertain significance. Review status: criteria provided, multiple submitters, no conflicts (2 of 4 stars). 2 submissions from 2 submitters: Uncertain significance (2). Last evaluated 2025-11-24.

Conditions:
Capillary malformation-arteriovenous malformation syndrome. Also called: Capillary malformation-arteriovenous malformation. Identifiers: Orphanet 137667, MedGen C1842180, MONDO:0012016.

Allele frequency attached by ClinVar (database versions not stated): TOPMed 0.00004; ESP Exome Variant Server 0.00008.
gnomAD v4.1: 6 of 1,610,966 alleles (0.00037%); highest among the groups gnomAD compares: African/African-American, 0.008%; no homozygotes.

Submissions (2):

Labcorp Genetics (formerly Invitae), Labcorp
Classification: Uncertain significance for Capillary malformation-arteriovenous malformation syndrome. Last evaluated: 2025-11-24. Review status: criteria provided, single submitter. Criteria: Invitae Variant Classification Sherloc (09022015). Collection method: clinical testing. Allele origin: germline.
Comment: This sequence change affects codon 913 of the RASA1 mRNA. It is a 'silent' change, meaning that it does not change the encoded amino acid sequence of the RASA1 protein. This variant is present in population databases (rs375135791, gnomAD 0.01%). This variant has not been reported in the literature in individuals affected with RASA1-related conditions. ClinVar contains an entry for this variant (Variation ID: 655545). Algorithms developed to predict the effect of sequence changes on RNA splicing suggest that this variant may disrupt the consensus splice site. In summary, the available evidence is currently insufficient to determine the role of this variant in disease. Therefore, it has been classified as a Variant of Uncertain Significance.

Mayo Clinic Laboratories, Mayo Clinic
Classification: Uncertain significance. Last evaluated: 2024-09-05. Review status: criteria provided, single submitter. Criteria: ACMG Guidelines, 2015. Collection method: clinical testing. Allele origin: germline. Observed: 1 variant allele.
Comment: BS1